The following is an entry in ClinVar:

ClinVar aggregate classification (germline): Pathogenic (1 of 4 stars; one submission).

Conditions:
Charlevoix-Saguenay spastic ataxia (SACS). Also called: AUTOSOMAL RECESSIVE SPASTIC ATAXIA OF CHARLEVOIX-SAGUENAY; Spastic ataxia of Charlevoix-Saguenay; SPASTIC ATAXIA 6, AUTOSOMAL RECESSIVE. Identifiers: Orphanet 98, MedGen C1849140, MONDO:0010041, OMIM 270550.

Submission:

Myriad Genetics, Inc.
Classification: Pathogenic for Charlevoix-Saguenay spastic ataxia. Last evaluated: 2025-11-27. Review status: criteria provided, single submitter. Criteria: Myriad Autosomal Dominant, Autosomal Recessive and X-Linked Classification Criteria (2023). Collection method: clinical testing. Allele origin: unknown.
Comment: NM_014363.4(SACS):c.1751T>A(L584*) is expected to be pathogenic in the context of autosomal recessive spastic ataxia of Charlevoix-Saguenay. This variant is predicted to lead to an abnormal or absent protein product due to the creation of a premature termination codon in SACS, a gene where loss-of-function variants are known to be pathogenic. Please note: this variant was assessed in the context of healthy population screening.

NM_014363.6(SACS):c.1751T>A (p.Leu584Ter)

Gene: SACS (sacsin molecular chaperone; minus strand). Cytogenetic location: 13q12.12.
Variant type: single nucleotide variant.
Coding change: c.1751T>A on transcript NM_014363.6 (MANE Select); coding-DNA position 1751, T replaced by A.
Protein change: p.Leu584Ter; replaces leucine 584 with a stop codon.
Molecular consequence: nonsense.
Genome position (GRCh38, 1-based): chr13:23,354,861, A>T on the plus strand (T>A on the coding strand, the complement: SACS is on the minus strand). VCF-style: chr13-23354861-A-T. GRCh37 (hg19) VCF-style: chr13-23929000-A-T.
Other names: c.1310T>A, p.Leu437Ter (NM_001278055.2); c.1751T>A, p.Leu584Ter (NM_001437336.1); short protein forms L437*, L584*.
Identifiers: ClinVar variation 5015275 (VCV005015275.1).
Genomic context (GRCh38, chr13:23,354,861, plus strand): 5'-ACCTTGGCAATCTGCTTCCCTGAGCTCTGGAGGTAGTTGAGCACAGTTTTTGTGTATTCT[A>T]AATTTTCATCAAGTTCTGAGAAGTACACCTGCTCCAACCTGACCCAGTCACAGCTAATTG-3'